The following is an entry in ClinVar:

ClinVar aggregate classification (germline): Uncertain significance. Review status: criteria provided, multiple submitters, no conflicts (2 of 4 stars). 3 submissions from 3 submitters: Uncertain significance (3). Last evaluated 2025-07-08.

Conditions:
Cardiomyopathy (CMYO). Also called: Cardiomyopathies. Identifiers: Orphanet 167848, MedGen C0878544, MONDO:0004994, HP:0001638. Inheritance: Various modes of inheritance.
Charcot-Marie-Tooth disease type 2. Also called: Charcot-Marie-Tooth type 2. Identifiers: Orphanet 64746, MedGen C0270914, MONDO:0018993.

Allele frequency attached by ClinVar (database versions not stated): gnomAD exomes 0.00001; ExAC 0.00006; TOPMed below 0.00001; gnomAD 0.00001.
gnomAD v4.1: 11 of 1,564,146 alleles (0.0007%); highest among the groups gnomAD compares: Admixed American, 0.0018%; no homozygotes.

Submissions (3):

Color Diagnostics, LLC DBA Color Health
Classification: Uncertain significance for Cardiomyopathy. Last evaluated: 2025-07-08. Review status: criteria provided, single submitter. Criteria: ACMG Guidelines, 2015. Collection method: clinical testing. Allele origin: germline.
Comment: This missense variant replaces arginine with glutamine at codon 7 of the LMNA protein. Computational prediction suggests that this variant may not impact protein structure and function. To our knowledge, functional studies have not been reported for this variant. This variant has not been reported in individuals affected with LMNA-related disorders in the literature. This variant has been identified in 1/175212 chromosomes in the general population by the Genome Aggregation Database (gnomAD). The available evidence is insufficient to determine the role of this variant in disease conclusively. Therefore, this variant is classified as a Variant of Uncertain Significance.

Labcorp Genetics (formerly Invitae), Labcorp
Classification: Uncertain significance for Charcot-Marie-Tooth disease type 2. Last evaluated: 2023-03-20. Review status: criteria provided, single submitter. Criteria: Invitae Variant Classification Sherloc (09022015). Collection method: clinical testing. Allele origin: germline.
Comment: ClinVar contains an entry for this variant (Variation ID: 408991). This variant has not been reported in the literature in individuals affected with LMNA-related conditions. This variant is present in population databases (rs751916168, gnomAD 0.004%). This sequence change replaces arginine, which is basic and polar, with glutamine, which is neutral and polar, at codon 7 of the LMNA protein (p.Arg7Gln). Advanced modeling of protein sequence and biophysical properties (such as structural, functional, and spatial information, amino acid conservation, physicochemical variation, residue mobility, and thermodynamic stability) has been performed at Invitae for this missense variant, however the output from this modeling did not meet the statistical confidence thresholds required to predict the impact of this variant on LMNA protein function. In summary, the available evidence is currently insufficient to determine the role of this variant in disease. Therefore, it has been classified as a Variant of Uncertain Significance.

Phosphorus, Inc.
Classification: Uncertain significance. Last evaluated: 2022-01-17. Review status: criteria provided, single submitter. Criteria: ACMG Guidelines, 2015. Collection method: clinical testing. Allele origin: germline. Inheritance: Autosomal dominant inheritance.
Comment: This missense variant results in a substitution of arginine with glutamine at codon 7 of the LMNA gene (transcript NM_170707.3). This variant has been reported in ClinVar (408991) NM_170707.4 (LMNA):c.20G>A (p.Arg7Gln) and occurred once in GnomAD with a total MAF of 0.0006% and highest MAF of 0.0037% in the Latin American population. This position is conserved. In silico functional algorithms agree, predicting it as benign (PolyPhen/REVEL) and tolerated (SIFT), but no functional studies were performed to confirm these predictions. The variant has not occurred in the literature associated with the disease. Two different missense changes nearby have been determined to be pathogenic (c.11C>G (p.Pro4Arg), c.29C>T (p.Thr10Ile)). In conclusion, the available evidence is insufficient to determine the pathogenicity of this variant. Therefore, it is classified as a Variant of Uncertain Significance.

NM_170707.4(LMNA):c.20G>A (p.Arg7Gln)

Genes: LMNA (lamin A/C; plus strand), LOC129931597 (ATAC-STARR-seq lymphoblastoid silent region 1421; plus strand). Cytogenetic location: 1q22.
Variant type: single nucleotide variant.
Coding change: c.20G>A on transcript NM_170707.4 (MANE Select); coding-DNA position 20, G replaced by A.
Protein change: p.Arg7Gln; replaces arginine 7 with glutamine.
Molecular consequence: missense variant.
Genome position (GRCh38, 1-based): chr1:156,114,938, G>A. VCF-style: chr1-156114938-G-A. GRCh37 (hg19) VCF-style: chr1-156084729-G-A.
Other names: c.20G>A, p.Arg7Gln (NM_001282625.2, NM_001282626.2, NM_005572.4 and 1 more transcripts); short protein forms R7Q.
Identifiers: ClinVar variation 408991 (VCV000408991.12), dbSNP rs751916168, ClinGen allele CA052022.